The following is an entry in ClinVar:

NM_001195553.2(DCX):c.575G>A (p.Arg192Gln)

Gene: DCX (doublecortin; minus strand). Cytogenetic location: Xq23.
Variant type: single nucleotide variant.
Coding change: c.575G>A on transcript NM_001195553.2 (MANE Select); coding-DNA position 575, G replaced by A.
Protein change: p.Arg192Gln; replaces arginine 192 with glutamine.
Molecular consequence: missense variant.
Genome position (GRCh38, 1-based): chrX:111,401,120, C>T on the plus strand (G>A on the coding strand, the complement: DCX is on the minus strand). VCF-style: chrX-111401120-C-T. GRCh37 (hg19) VCF-style: chrX-110644348-C-T.
Other names: c.818G>A, p.Arg273Gln (NM_000555.3); c.575G>A, p.Arg192Gln (NM_001369370.1, NM_001369371.1, NM_001369372.1 and 6 more transcripts); short protein forms R192Q, R273Q.
Identifiers: ClinVar variation 3358964 (VCV003358964.2).

ClinVar aggregate classification (germline): Uncertain significance (1 of 4 stars; one submission).

Conditions:
Lissencephaly type 1 due to doublecortin gene mutation. Also called: LISSENCEPHALY, X-LINKED, 1; LISSENCEPHALY AND AGENESIS OF CORPUS CALLOSUM. Identifiers: Orphanet 2148, MedGen C4551968, MONDO:0010239, OMIM 300067.

Submission:

Institute of Human Genetics, University of Leipzig Medical Center
Classification: Uncertain significance for Lissencephaly type 1 due to doublecortin gene mutation. Last evaluated: 2024-06-07. Review status: criteria provided, single submitter. Criteria: ACMG Guidelines, 2015. Collection method: clinical testing. Allele origin: unknown. Inheritance: X-linked dominant inheritance. Affected: yes.
Comment: Criteria applied: PM2,PM5,PP3